The following is an entry in ClinVar:

NM_006648.4(WNK2):c.4354G>A (p.Gly1452Ser)

Gene: WNK2 (WNK lysine deficient protein kinase 2; plus strand). Cytogenetic location: 9q22.31.
Variant type: single nucleotide variant.
Coding change: c.4354G>A on transcript NM_006648.4 (MANE Select); coding-DNA position 4354, G replaced by A.
Protein change: p.Gly1452Ser; replaces glycine 1452 with serine.
Molecular consequence: missense variant.
Genome position (GRCh38, 1-based): chr9:93,289,108, G>A. VCF-style: chr9-93289108-G-A. GRCh37 (hg19) VCF-style: chr9-96051390-G-A.
Other names: c.4465G>A, p.Gly1489Ser (NM_001282394.3); short protein forms G1489S, G1452S.
Identifiers: ClinVar variation 4605204 (VCV004605204.1).

ClinVar aggregate classification (germline): Uncertain significance (1 of 4 stars; one submission).

gnomAD v4.1: 1 of 1,605,776 alleles (0.000062%); highest among the groups gnomAD compares: Non-Finnish European, 0.000085%; no homozygotes.

Submission:

Ambry Genetics
Classification: Uncertain significance. Last evaluated: 2025-09-28. Review status: criteria provided, single submitter. Criteria: Ambry Variant Classification Scheme 2023. Collection method: clinical testing. Allele origin: germline.
Comment: The p.G1452S variant (also known as c.4354G>A), located in coding exon 19 of the WNK2 gene, results from a G to A substitution at nucleotide position 4354. The glycine at codon 1452 is replaced by serine, an amino acid with similar properties. This amino acid position is conserved. In addition, this alteration is predicted to be tolerated by in silico analysis. Based on the available evidence, the clinical significance of this variant remains unclear.